The following is an entry in ClinVar:

NM_021074.5(NDUFV2):c.17C>G (p.Ala6Gly)

Genes: NDUFV2 (NADH:ubiquinone oxidoreductase core subunit V2; plus strand), LOC130062145 (ATAC-STARR-seq lymphoblastoid silent region 9277; plus strand). Cytogenetic location: 18p11.22.
Variant type: single nucleotide variant.
Coding change: c.17C>G on transcript NM_021074.5 (MANE Select); coding-DNA position 17, C replaced by G.
Protein change: p.Ala6Gly; replaces alanine 6 with glycine.
Molecular consequence: missense variant.
Genome position (GRCh38, 1-based): chr18:9,102,760, C>G. VCF-style: chr18-9102760-C-G. GRCh37 (hg19) VCF-style: chr18-9102758-C-G.
Other names: short protein forms A6G.
Identifiers: ClinVar variation 327876 (VCV000327876.12), dbSNP rs559485096, ClinGen allele CA8887025.

ClinVar aggregate classification (germline): Conflicting classifications of pathogenicity. Review status: criteria provided, conflicting classifications (1 of 4 stars). 5 submissions from 5 submitters: Uncertain significance (3); Likely benign (2). Last evaluated 2025-02-20.

Conditions:
Mitochondrial complex I deficiency, nuclear type 1. Also called: NADH-COENZYME Q REDUCTASE DEFICIENCY; MITOCHONDRIAL NADH DEHYDROGENASE COMPONENT OF COMPLEX I, DEFICIENCY OF. Identifiers: MedGen C6022305, MONDO:0100224, OMIM 252010.
Inborn genetic diseases. Identifiers: MedGen C0950123, MeSH D030342.
Mitochondrial complex I deficiency, nuclear type 7. Also called: Mitochondrial complex 1 deficiency, nuclear type 7. Identifiers: MedGen C4748760, MONDO:0032612, OMIM 618229.

Allele frequency attached by ClinVar (database versions not stated): 1000 Genomes Project 0.00020; 1000 Genomes Project 30x 0.00047; TOPMed 0.00074.
gnomAD v4.1: 198 of 1,587,486 alleles (0.012%); highest among the groups gnomAD compares: African/African-American, 0.2%; no homozygotes.

Submissions (5):

Ambry Genetics
Classification: Likely benign for Inborn genetic diseases. Last evaluated: 2025-02-20. Review status: criteria provided, single submitter. Criteria: Ambry Variant Classification Scheme 2023. Collection method: clinical testing. Allele origin: germline.

Labcorp Genetics (formerly Invitae), Labcorp
Classification: Uncertain significance. Last evaluated: 2023-10-13. Review status: criteria provided, single submitter. Criteria: Invitae Variant Classification Sherloc (09022015). Collection method: clinical testing. Allele origin: germline.
Comment: This sequence change replaces alanine, which is neutral and non-polar, with glycine, which is neutral and non-polar, at codon 6 of the NDUFV2 protein (p.Ala6Gly). This variant is present in population databases (rs559485096, gnomAD 0.2%). This variant has not been reported in the literature in individuals affected with NDUFV2-related conditions. ClinVar contains an entry for this variant (Variation ID: 327876). An algorithm developed to predict the effect of missense changes on protein structure and function (PolyPhen-2) suggests that this variant¬†is likely to be tolerated. In summary, the available evidence is currently insufficient to determine the role of this variant in disease. Therefore, it has been classified as a Variant of Uncertain Significance.

Baylor Genetics
Classification: Uncertain significance for Mitochondrial complex I deficiency, nuclear type 7. Last evaluated: 2019-12-16. Review status: criteria provided, single submitter. Criteria: ACMG Guidelines, 2015. Collection method: clinical testing. Allele origin: unknown. Affected: yes.
Comment: This variant was determined to be of uncertain significance according to ACMG Guidelines, 2015 [PMID:25741868].

GeneDx
Classification: Likely benign. Last evaluated: 2019-09-03. Review status: criteria provided, single submitter. Criteria: GeneDx Variant Classification Process June 2021. Collection method: clinical testing. Allele origin: germline. Affected: yes.

Illumina Laboratory Services, Illumina
Classification: Uncertain significance for Mitochondrial complex I deficiency, nuclear type 1. Last evaluated: 2018-01-13. Review status: criteria provided, single submitter. Criteria: ICSL Variant Classification Criteria 13 December 2019. Collection method: clinical testing. Allele origin: germline.